The following is an entry in ClinVar:

ClinVar aggregate classification (germline): Uncertain significance. Review status: criteria provided, multiple submitters, no conflicts (2 of 4 stars). 3 submissions from 3 submitters: Uncertain significance (2). 1 of the submissions does not count toward it. Last evaluated 2025-01-20.

Conditions:
ROBO2-related disorder. Also called: ROBO2-related condition.
Inborn genetic diseases. Identifiers: MedGen C0950123, MeSH D030342.

gnomAD v4.1: 24 of 1,613,284 alleles (0.0015%); highest among the groups gnomAD compares: African/African-American, 0.023%; no homozygotes.

Submissions (3):

Ambry Genetics
Classification: Uncertain significance for Inborn genetic diseases. Last evaluated: 2025-01-20. Review status: criteria provided, single submitter. Criteria: Ambry Variant Classification Scheme 2023. Collection method: clinical testing. Allele origin: germline.

Labcorp Genetics (formerly Invitae), Labcorp
Classification: Uncertain significance. Last evaluated: 2024-08-18. Review status: criteria provided, single submitter. Criteria: Invitae Variant Classification Sherloc (09022015). Collection method: clinical testing. Allele origin: germline.
Comment: This sequence change replaces threonine, which is neutral and polar, with serine, which is neutral and polar, at codon 754 of the ROBO2 protein (p.Thr754Ser). This variant is present in population databases (rs370390840, gnomAD 0.02%). This variant has not been reported in the literature in individuals affected with ROBO2-related conditions. Invitae Evidence Modeling of protein sequence and biophysical properties (such as structural, functional, and spatial information, amino acid conservation, physicochemical variation, residue mobility, and thermodynamic stability) indicates that this missense variant is not expected to disrupt ROBO2 protein function with a negative predictive value of 95%. In summary, the available evidence is currently insufficient to determine the role of this variant in disease. Therefore, it has been classified as a Variant of Uncertain Significance.

PreventionGenetics, part of Exact Sciences
Classification: Uncertain significance for ROBO2-related condition. Last evaluated: 2024-08-07. Review status: no assertion criteria provided. Collection method: clinical testing. Allele origin: germline. Not counted in ClinVar's aggregate classification.
Comment: The ROBO2 c.2308A>T variant is predicted to result in the amino acid substitution p.Thr770Ser. To our knowledge, this variant has not been reported in the literature. This variant is reported in 0.021% of alleles in individuals of African descent in gnomAD. Although we suspect that this variant may be benign, at this time, the clinical significance of this variant is uncertain due to the absence of conclusive functional and genetic evidence.

NM_001395656.1(ROBO2):c.2272A>T (p.Thr758Ser)

Gene: ROBO2 (roundabout guidance receptor 2; plus strand). Cytogenetic location: 3p12.3.
Variant type: single nucleotide variant.
Coding change: c.2272A>T on transcript NM_001395656.1 (MANE Select); coding-DNA position 2272, A replaced by T.
Protein change: p.Thr758Ser; replaces threonine 758 with serine.
Molecular consequence: missense variant.
Genome position (GRCh38, 1-based): chr3:77,577,546, A>T. VCF-style: chr3-77577546-A-T. GRCh37 (hg19) VCF-style: chr3-77626697-A-T.
Other names: c.2272A>T, p.Thr758Ser (NM_001378202.1, NM_001290039.2, NM_001290040.2); c.2320A>T, p.Thr774Ser (NM_001378203.1, NM_001378190.1, NM_001378191.1 and 4 more transcripts); c.2329A>T, p.Thr777Ser (NM_001394212.1, NM_001394214.1, NM_001395657.1); c.2341A>T, p.Thr781Ser (NM_001394213.1, NM_001378192.1, NM_001378194.1 and 2 more transcripts); c.2260A>T, p.Thr754Ser (NM_002942.5, NM_001378193.1, NM_001378197.1); c.2308A>T, p.Thr770Ser (NM_001128929.3); c.481A>T, p.Thr161Ser (NM_001290065.2); c.2260A>T (NM_002942.4); short protein forms T161S, T754S, T758S, T770S, T774S, T777S, T781S.
Identifiers: ClinVar variation 3353192 (VCV003353192.4).